The following is an entry in ClinVar:

NM_001130438.3(SPTAN1):c.6960-2A>G

Gene: SPTAN1 (spectrin alpha, non-erythrocytic 1; plus strand). Cytogenetic location: 9q34.11.
Variant type: single nucleotide variant.
Coding change: c.6960-2A>G on transcript NM_001130438.3 (MANE Select); the canonical splice acceptor site of the intron before coding-DNA position 6960, A replaced by G.
Molecular consequence: splice acceptor variant.
Genome position (GRCh38, 1-based): chr9:128,632,429, A>G. VCF-style: chr9-128632429-A-G. GRCh37 (hg19) VCF-style: chr9-131394708-A-G.
Other names: c.7059-2A>G (NM_001375318.1); c.6996-2A>G (NM_001375312.2, NM_001438440.1); c.6960-2A>G (NM_001375311.2); c.6900-2A>G (NM_001375314.2, NM_001363765.2); c.7047-2A>G (NM_001375310.1); c.7023-2A>G (NM_001363759.2); c.6942-2A>G (NM_001375313.1); c.7008-2A>G (NM_001438445.1); and 6 more.
Identifiers: ClinVar variation 4294364 (VCV004294364.1).

ClinVar aggregate classification (germline): Uncertain significance (1 of 4 stars; one submission).

Conditions:
Developmental delay with or without epilepsy (DEVEP). Identifiers: MedGen C5882702, MONDO:0957815, OMIM 620540.
Developmental and epileptic encephalopathy, 5 (DEE5). Identifiers: Orphanet 3451, MedGen C3150731, MONDO:0013277, OMIM 613477.

Submission:

Laboratoire Génétique Moléculaire, CHRU TOURS
Classification: Uncertain significance for Developmental and epileptic encephalopathy, 5; Developmental delay with or without epilepsy. Last evaluated: 2023-06-19. Review status: criteria provided, single submitter. Criteria: ACMG Guidelines, 2015. Collection method: clinical testing. Allele origin: unknown.
Comment: PM2